The following is an entry in ClinVar:

ClinVar aggregate classification (germline): Uncertain significance. Review status: criteria provided, multiple submitters, no conflicts (2 of 4 stars). 2 submissions from 2 submitters: Uncertain significance (2). Last evaluated 2024-12-24.

Allele frequency attached by ClinVar (database versions not stated): gnomAD exomes below 0.00001; ExAC 0.00001; gnomAD 0.00001.
gnomAD v4.1: 26 of 1,613,660 alleles (0.0016%); highest among the groups gnomAD compares: East Asian, 0.0022%; no homozygotes.

Submissions (2):

Labcorp Genetics (formerly Invitae), Labcorp
Classification: Uncertain significance. Last evaluated: 2024-12-24. Review status: criteria provided, single submitter. Criteria: Invitae Variant Classification Sherloc (09022015). Collection method: clinical testing. Allele origin: germline.
Comment: This sequence change replaces glycine, which is neutral and non-polar, with serine, which is neutral and polar, at codon 1598 of the COL11A1 protein (p.Gly1598Ser). This variant is present in population databases (rs757388014, gnomAD 0.002%). This variant has not been reported in the literature in individuals affected with COL11A1-related conditions. ClinVar contains an entry for this variant (Variation ID: 1301266). Invitae Evidence Modeling of protein sequence and biophysical properties (such as structural, functional, and spatial information, amino acid conservation, physicochemical variation, residue mobility, and thermodynamic stability) indicates that this missense variant is expected to disrupt COL11A1 protein function with a positive predictive value of 80%. In summary, the available evidence is currently insufficient to determine the role of this variant in disease. Therefore, it has been classified as a Variant of Uncertain Significance.

GeneDx
Classification: Uncertain significance. Last evaluated: 2024-01-30. Review status: criteria provided, single submitter. Criteria: GeneDx Variant Classification Process June 2021. Collection method: clinical testing. Allele origin: germline. Affected: yes.
Comment: Not observed at significant frequency in large population cohorts (gnomAD); In silico analysis supports that this missense variant has a deleterious effect on protein structure/function; Not located in the triple helical region, where the majority of pathogenic missense variants occur (HGMD; PMID: 25240749); This variant is associated with the following publications: (PMID: 25240749, 37079061)

NM_001854.4(COL11A1):c.4792G>A (p.Gly1598Ser)

Gene: COL11A1 (collagen type XI alpha 1 chain; minus strand). Cytogenetic location: 1p21.1.
Variant type: single nucleotide variant.
Coding change: c.4792G>A on transcript NM_001854.4 (MANE Select); coding-DNA position 4792, G replaced by A.
Protein change: p.Gly1598Ser; replaces glycine 1598 with serine.
Molecular consequence: missense variant. On other transcripts: non-coding transcript variant (1).
Genome position (GRCh38, 1-based): chr1:102,886,873, C>T on the plus strand (G>A on the coding strand, the complement: COL11A1 is on the minus strand). VCF-style: chr1-102886873-C-T. GRCh37 (hg19) VCF-style: chr1-103352429-C-T.
Other names: c.4675G>A, p.Gly1559Ser (NM_001190709.2); c.4828G>A, p.Gly1610Ser (NM_080629.3); c.4444G>A, p.Gly1482Ser (NM_080630.4); short protein forms G1482S, G1559S, G1598S, G1610S.
Identifiers: ClinVar variation 1301266 (VCV001301266.6), dbSNP rs757388014, ClinGen allele CA973410.